The following is an entry in ClinVar:

NM_000307.5(POU3F4):c.913G>A (p.Ala305Thr)

Gene: POU3F4 (POU class 3 homeobox 4; plus strand). Cytogenetic location: Xq21.1.
Variant type: single nucleotide variant.
Coding change: c.913G>A on transcript NM_000307.5 (MANE Select); coding-DNA position 913, G replaced by A.
Protein change: p.Ala305Thr; replaces alanine 305 with threonine.
Molecular consequence: missense variant.
Genome position (GRCh38, 1-based): chrX:83,509,237, G>A. VCF-style: chrX-83509237-G-A. GRCh37 (hg19) VCF-style: chrX-82764245-G-A.
Other names: c.913G>A (NM_000307.3); short protein forms A305T.
Identifiers: ClinVar variation 3906713 (VCV003906713.2).
Genomic context (GRCh38, chrX:83,509,237, plus strand): 5'-ATCGAGGTGAGTGTCAAGGGCGTACTGGAGACGCATTTCCTCAAGTGTCCCAAGCCTGCC[G>A]CGCAGGAGATCTCCTCGCTGGCAGACAGCCTCCAGTTGGAGAAGGAAGTGGTGCGTGTCT-3'
Protein context (NP_000298.3, residues 295-315): THFLKCPKPA[Ala305Thr]QEISSLADSL

ClinVar aggregate classification (germline): Uncertain significance. Review status: criteria provided, multiple submitters, no conflicts (2 of 4 stars). 2 submissions from 2 submitters: Uncertain significance (2). Last evaluated 2025-08-10.

Conditions:
Inborn genetic diseases. Identifiers: MedGen C0950123, MeSH D030342.

Submissions (2):

Ambry Genetics
Classification: Uncertain significance for Inborn genetic diseases. Last evaluated: 2025-08-10. Review status: criteria provided, single submitter. Criteria: Ambry Variant Classification Scheme 2023. Collection method: clinical testing. Allele origin: germline.

GeneDx
Classification: Uncertain significance. Last evaluated: 2024-12-19. Review status: criteria provided, single submitter. Criteria: GeneDx Variant Classification Process June 2021. Collection method: clinical testing. Allele origin: germline. Affected: yes.
Comment: Not observed at significant frequency in large population cohorts (gnomAD); In silico analysis supports that this missense variant has a deleterious effect on protein structure/function; Has not been previously published as pathogenic or benign to our knowledge